The following is an entry in ClinVar:

NM_007118.4(TRIO):c.3293T>G (p.Met1098Arg)

Gene: TRIO (trio Rho guanine nucleotide exchange factor; plus strand). Cytogenetic location: 5p15.2.
Variant type: single nucleotide variant.
Coding change: c.3293T>G on transcript NM_007118.4 (MANE Select); coding-DNA position 3293, T replaced by G.
Protein change: p.Met1098Arg; replaces methionine 1098 with arginine.
Molecular consequence: missense variant. On other transcripts: non-coding transcript variant (1).
Genome position (GRCh38, 1-based): chr5:14,374,305, T>G. VCF-style: chr5-14374305-T-G. GRCh37 (hg19) VCF-style: chr5-14374414-T-G.
Other names: short protein forms M1098R.
Identifiers: ClinVar variation 1878761 (VCV001878761.1), dbSNP rs1260959519, ClinGen allele CA359218603.

ClinVar aggregate classification (germline): Uncertain significance (1 of 4 stars; one submission).

Allele frequency attached by ClinVar (database versions not stated): gnomAD 0.00001.

Submission:

GeneDx
Classification: Uncertain significance. Last evaluated: 2022-07-13. Review status: criteria provided, single submitter. Criteria: GeneDx Variant Classification Process June 2021. Collection method: clinical testing. Allele origin: germline. Affected: yes.
Comment: Not observed at significant frequency in large population cohorts (gnomAD); In silico analysis supports that this missense variant has a deleterious effect on protein structure/function; Has not been previously published as pathogenic or benign to our knowledge